The following is an entry in ClinVar:

NM_001330700.2(TOP2B):c.2803T>C (p.Phe935Leu)

Gene: TOP2B (DNA topoisomerase II beta; minus strand). Cytogenetic location: 3p24.2.
Variant type: single nucleotide variant.
Coding change: c.2803T>C on transcript NM_001330700.2 (MANE Select); coding-DNA position 2803, T replaced by C.
Protein change: p.Phe935Leu; replaces phenylalanine 935 with leucine.
Molecular consequence: missense variant.
Genome position (GRCh38, 1-based): chr3:25,620,741, A>G on the plus strand (T>C on the coding strand, the complement: TOP2B is on the minus strand). VCF-style: chr3-25620741-A-G. GRCh37 (hg19) VCF-style: chr3-25662232-A-G.
Other names: c.2788T>C, p.Phe930Leu (NM_001068.3); short protein forms F930L, F935L.
Identifiers: ClinVar variation 2987747 (VCV002987747.3), dbSNP rs759564813, ClinGen allele CA2288426.

ClinVar aggregate classification (germline): Uncertain significance (1 of 4 stars; one submission).

Allele frequency attached by ClinVar (database versions not stated): ExAC 0.00001; gnomAD 0.00001; gnomAD exomes 0.00001.
gnomAD v4.1: 17 of 1,613,222 alleles (0.0011%); highest among the groups gnomAD compares: Non-Finnish European, 0.0014%; no homozygotes.

Submission:

Labcorp Genetics (formerly Invitae), Labcorp
Classification: Uncertain significance. Last evaluated: 2024-07-02. Review status: criteria provided, single submitter. Criteria: Invitae Variant Classification Sherloc (09022015). Collection method: clinical testing. Allele origin: germline.
Comment: This sequence change replaces phenylalanine, which is neutral and non-polar, with leucine, which is neutral and non-polar, at codon 930 of the TOP2B protein (p.Phe930Leu). This variant is present in population databases (rs759564813, gnomAD 0.002%). This variant has not been reported in the literature in individuals affected with TOP2B-related conditions. An algorithm developed to predict the effect of missense changes on protein structure and function (PolyPhen-2) suggests that this variant is likely to be tolerated. In summary, the available evidence is currently insufficient to determine the role of this variant in disease. Therefore, it has been classified as a Variant of Uncertain Significance.